The following is an entry in ClinVar:

NM_005245.4(FAT1):c.3509C>G (p.Ser1170Cys)

Gene: FAT1 (FAT atypical cadherin 1; minus strand). Cytogenetic location: 4q35.2.
Variant type: single nucleotide variant.
Coding change: c.3509C>G on transcript NM_005245.4 (MANE Select); coding-DNA position 3509, C replaced by G.
Protein change: p.Ser1170Cys; replaces serine 1170 with cysteine.
Molecular consequence: missense variant.
Genome position (GRCh38, 1-based): chr4:186,663,370, G>C on the plus strand (C>G on the coding strand, the complement: FAT1 is on the minus strand). VCF-style: chr4-186663370-G-C. GRCh37 (hg19) VCF-style: chr4-187584524-G-C.
Other names: c.3509C>G (NM_005245.3); short protein forms S1170C.
Identifiers: ClinVar variation 2146943 (VCV002146943.5), dbSNP rs371498445, ClinGen allele CA3167005.

ClinVar aggregate classification (germline): Uncertain significance. Review status: criteria provided, multiple submitters, no conflicts (2 of 4 stars). 2 submissions from 2 submitters: Uncertain significance (2). Last evaluated 2024-11-15.

Conditions:
Inborn genetic diseases. Identifiers: MedGen C0950123, MeSH D030342.

Allele frequency attached by ClinVar (database versions not stated): TOPMed 0.00003; gnomAD 0.00005; ExAC 0.00007; ESP Exome Variant Server 0.00008.
gnomAD v4.1: 114 of 1,613,804 alleles (0.0071%); highest among the groups gnomAD compares: Non-Finnish European, 0.0089%; no homozygotes.

Submissions (2):

Ambry Genetics
Classification: Uncertain significance for Inborn genetic diseases. Last evaluated: 2024-11-15. Review status: criteria provided, single submitter. Criteria: Ambry Variant Classification Scheme 2023. Collection method: clinical testing. Allele origin: germline.

Labcorp Genetics (formerly Invitae), Labcorp
Classification: Uncertain significance. Last evaluated: 2022-01-04. Review status: criteria provided, single submitter. Criteria: Invitae Variant Classification Sherloc (09022015). Collection method: clinical testing. Allele origin: germline.
Comment: Algorithms developed to predict the effect of missense changes on protein structure and function are either unavailable or do not agree on the potential impact of this missense change (SIFT: "Deleterious"; PolyPhen-2: "Probably Damaging"; Align-GVGD: "Class C15"). This sequence change replaces serine, which is neutral and polar, with cysteine, which is neutral and slightly polar, at codon 1170 of the FAT1 protein (p.Ser1170Cys). This variant is present in population databases (rs371498445, gnomAD 0.01%). This variant has not been reported in the literature in individuals affected with FAT1-related conditions. In summary, the available evidence is currently insufficient to determine the role of this variant in disease. Therefore, it has been classified as a Variant of Uncertain Significance.